The following is an entry in ClinVar:

ClinVar aggregate classification (germline): Uncertain significance (1 of 4 stars; one submission).

Allele frequency attached by ClinVar (database versions not stated): ESP Exome Variant Server 0.00008; gnomAD 0.00009; 1000 Genomes Project 30x 0.00016; 1000 Genomes Project 0.00020.
gnomAD v4.1: 95 of 1,613,798 alleles (0.0059%); highest among the groups gnomAD compares: South Asian, 0.036%; no homozygotes.

Submission:

Labcorp Genetics (formerly Invitae), Labcorp
Classification: Uncertain significance. Last evaluated: 2023-12-13. Review status: criteria provided, single submitter. Criteria: Invitae Variant Classification Sherloc (09022015). Collection method: clinical testing. Allele origin: germline.
Comment: This sequence change replaces arginine, which is basic and polar, with tryptophan, which is neutral and slightly polar, at codon 692 of the TMPRSS15 protein (p.Arg692Trp). This variant is present in population databases (rs369769966, gnomAD 0.03%). This variant has not been reported in the literature in individuals affected with TMPRSS15-related conditions. ClinVar contains an entry for this variant (Variation ID: 2192013). An algorithm developed to predict the effect of missense changes on protein structure and function (PolyPhen-2) suggests that this variant¬†is likely to be tolerated. In summary, the available evidence is currently insufficient to determine the role of this variant in disease. Therefore, it has been classified as a Variant of Uncertain Significance.

NM_002772.3(TMPRSS15):c.2074C>T (p.Arg692Trp)

Gene: TMPRSS15 (transmembrane serine protease 15; minus strand). Cytogenetic location: 21q21.1.
Variant type: single nucleotide variant.
Coding change: c.2074C>T on transcript NM_002772.3 (MANE Select); coding-DNA position 2074, C replaced by T.
Protein change: p.Arg692Trp; replaces arginine 692 with tryptophan.
Molecular consequence: missense variant.
Genome position (GRCh38, 1-based): chr21:18,313,036, G>A on the plus strand (C>T on the coding strand, the complement: TMPRSS15 is on the minus strand). VCF-style: chr21-18313036-G-A. GRCh37 (hg19) VCF-style: chr21-19685353-G-A.
Other names: short protein forms R692W.
Identifiers: ClinVar variation 2192013 (VCV002192013.2), dbSNP rs369769966, ClinGen allele CA9984199.